The following is an entry in ClinVar:

NM_000330.4(RS1):c.247T>C (p.Cys83Arg)

Genes: CDKL5 (cyclin dependent kinase like 5; plus strand), RS1 (retinoschisin 1; minus strand). Cytogenetic location: Xp22.13.
Variant type: single nucleotide variant.
Coding change: c.247T>C on transcript NM_000330.4 (MANE Select); coding-DNA position 247, T replaced by C.
Protein change: p.Cys83Arg; replaces cysteine 83 with arginine.
Molecular consequence: missense variant. On other transcripts: intron variant (2).
Genome position (GRCh38, 1-based): chrX:18,647,270, A>G on the plus strand (T>C on the coding strand, the complement: RS1 is on the minus strand). VCF-style: chrX-18647270-A-G. GRCh37 (hg19) VCF-style: chrX-18665390-A-G.
Other names: c.2797+1180A>G (NM_003159.3, NM_001037343.2); short protein forms C83R.
Identifiers: ClinVar variation 964837 (VCV000964837.8), dbSNP rs1927820779, ClinGen allele CA412372891.

ClinVar aggregate classification (germline): Likely pathogenic (1 of 4 stars; one submission).

Submission:

Labcorp Genetics (formerly Invitae), Labcorp
Classification: Likely pathogenic. Last evaluated: 2025-08-21. Review status: criteria provided, single submitter. Criteria: Invitae Variant Classification Sherloc (09022015). Collection method: clinical testing. Allele origin: germline.
Comment: This sequence change replaces cysteine, which is neutral and slightly polar, with arginine, which is basic and polar, at codon 83 of the RS1 protein (p.Cys83Arg). This variant is not present in population databases (gnomAD no frequency). This missense change has been observed in individuals with X-linked retinoschisis (PMID: 35456481; internal data). ClinVar contains an entry for this variant (Variation ID: 964837). Invitae Evidence Modeling of protein sequence and biophysical properties (such as structural, functional, and spatial information, amino acid conservation, physicochemical variation, residue mobility, and thermodynamic stability) indicates that this missense variant is expected to disrupt RS1 protein function with a positive predictive value of 95%. In summary, the currently available evidence indicates that the variant is pathogenic, but additional data are needed to prove that conclusively. Therefore, this variant has been classified as Likely Pathogenic.

Literature cited by the submitters: PubMed 35456481.